The following is an entry in ClinVar:

NM_001355012.2(TJP1):c.173+7C>G

Gene: TJP1 (tight junction protein 1; minus strand). Cytogenetic location: 15q13.1.
Variant type: single nucleotide variant.
Coding change: c.173+7C>G on transcript NM_001355012.2; 7 bases into the intron after coding-DNA position 173, C replaced by G.
Molecular consequence: intron variant.
Genome position (GRCh38, 1-based): chr15:29,968,660, G>C on the plus strand (C>G on the coding strand, the complement: TJP1 is on the minus strand). VCF-style: chr15-29968660-G-C. GRCh37 (hg19) VCF-style: chr15-30260863-G-C.
Other names: c.173+7C>G (NM_001301025.3).
Identifiers: ClinVar variation 3041572 (VCV003041572.2), dbSNP rs749742657, ClinGen allele CA268427800.

ClinVar aggregate classification (germline): Likely benign (0 of 4 stars; one submission).

Conditions:
TJP1-related disorder. Also called: TJP1-related condition.

Allele frequency attached by ClinVar (database versions not stated): 1000 Genomes Project 30x 0.00016; gnomAD 0.00048; TOPMed 0.00056.
gnomAD v4.1: 519 of 1,047,338 alleles (0.05%); highest among the groups gnomAD compares: Non-Finnish European, 0.055%; 1 homozygote.

Submission:

PreventionGenetics, part of Exact Sciences
Classification: Likely benign for TJP1-related condition. Last evaluated: 2019-08-09. Review status: no assertion criteria provided. Collection method: clinical testing. Allele origin: germline.
Comment: This variant is classified as likely benign based on ACMG/AMP sequence variant interpretation guidelines (Richards et al. 2015 PMID: 25741868, with internal and published modifications).